The following is an entry in ClinVar:

NM_001267550.2(TTN):c.96904+4T>C

Genes: TTN (titin; minus strand), TTN-AS1 (TTN antisense RNA 1; plus strand), LOC126806421 (CDK7 strongly-dependent group 2 enhancer GRCh37_chr2:179407630-179408829; plus strand). Cytogenetic location: 2q31.2.
Variant type: single nucleotide variant.
Coding change: c.96904+4T>C on transcript NM_001267550.2 (MANE Select); 4 bases into the intron after coding-DNA position 96904, T replaced by C.
Molecular consequence: intron variant.
Genome position (GRCh38, 1-based): chr2:178,543,065, A>G on the plus strand (T>C on the coding strand, the complement: TTN is on the minus strand). VCF-style: chr2-178543065-A-G. GRCh37 (hg19) VCF-style: chr2-179407792-A-G.
Other names: c.69709+4T>C (NM_003319.4); c.70285+4T>C (NM_133437.4); c.70084+4T>C (NM_133432.3); c.89200+4T>C (NM_133378.4); c.91981+4T>C (NM_001256850.1).
Identifiers: ClinVar variation 47572 (VCV000047572.28), dbSNP rs373514079, ClinGen allele CA141383.

ClinVar aggregate classification (germline): Conflicting classifications of pathogenicity. Review status: criteria provided, conflicting classifications (1 of 4 stars). 18 submissions from 13 submitters: Uncertain significance (7); Benign (3); Likely benign (4). 4 of the submissions do not count toward it. Last evaluated 2026-06-08.

Conditions:
Cardiovascular phenotype. Identifiers: MedGen CN230736.
Autosomal recessive limb-girdle muscular dystrophy type 2J (LGMDR10). Also called: Limb-girdle muscular dystrophy, type 2J; MUSCULAR DYSTROPHY, LIMB-GIRDLE, AUTOSOMAL RECESSIVE 10. Identifiers: Orphanet 140922, MedGen C1837342, MONDO:0012127, OMIM 608807.
Dilated cardiomyopathy 1G (CMD1G). Identifiers: Orphanet 154, MedGen C1858763, MONDO:0011400, OMIM 604145.
Skeletal dysplasia. Also called: Primary bone dysplasia. Identifiers: Orphanet 364526, MedGen C0410528, MONDO:0018230, HP:0002652.
Early-onset myopathy with fatal cardiomyopathy (CMYO5). Also called: Salih Myopathy; CONGENITAL MYOPATHY 5 WITH CARDIOMYOPATHY. Identifiers: Orphanet 289377, MedGen C2673677, MONDO:0012714, OMIM 611705. Disease mechanism: loss of function.
Myopathy, myofibrillar, 9, with early respiratory failure (MFM9). Also called: Hereditary myopathy with early respiratory failure; EDSTROM MYOPATHY; MYOPATHY, PROXIMAL, WITH EARLY RESPIRATORY MUSCLE INVOLVEMENT; Myopathy, distal, with early respiratory failure, autosomal dominant. Identifiers: Orphanet 178464, Orphanet 34521, MedGen C1863599, MONDO:0011362, OMIM 603689.
Tibial muscular dystrophy (TMD). Also called: UDD MYOPATHY; Udd Distal Myopathy – Tibial Muscular Dystrophy; Tibial muscular dystrophy, tardive. Identifiers: Orphanet 609, MedGen C1838244, MONDO:0010870, OMIM 600334.
Hypertrophic cardiomyopathy 9. Also called: Familial hypertrophic cardiomyopathy 9. Identifiers: MedGen C1861065, MONDO:0013412, OMIM 613765.

Allele frequency attached by ClinVar (database versions not stated): gnomAD 0.00013 and 0.00014; ExAC 0.00014; gnomAD exomes 0.00014 and 0.00017; 1000 Genomes Project 30x 0.00016; ESP Exome Variant Server 0.00017; TOPMed 0.00017; 1000 Genomes Project 0.00020.
gnomAD v4.1: 209 of 1,548,308 alleles (0.013%); highest among the groups gnomAD compares: Admixed American, 0.058%; no homozygotes.

Submissions (18):

Women's Health and Genetics/Laboratory Corporation of America, LabCorp
Classification: Likely benign. Last evaluated: 2026-06-08. Review status: criteria provided, single submitter. Criteria: LabCorp Variant Classification Summary - May 2015. Collection method: clinical testing. Allele origin: germline.
Comment: Variant summary: TTN c.89200+4T>C alters a conserved nucleotide located close to a canonical splice site and therefore could affect mRNA splicing, leading to a significantly altered protein sequence. Consensus agreement among computation tools predict no significant impact on normal splicing. However, these predictions have yet to be confirmed by functional studies. The variant allele was found at a frequency of 0.00013 in 1548308 control chromosomes, predominantly at a frequency of 0.00058 within the Latino subpopulation in the gnomAD database. The observed variant frequency within Latino control individuals in the gnomAD database exceeds the estimated maximal expected allele frequency for disease-causing variants in TTN. c.89200+4T>C has been observed in a setting of multigene panel testing in an individual affected with Hypertrophic Cardiomyopathy (Mademont-Soler_2017). This report does not provide unequivocal conclusions about association of the variant with disease. To our knowledge, no experimental evidence demonstrating an impact on protein function has been reported. The following publication has been ascertained in the context of this evaluation (PMID: 28771489). ClinVar contains an entry for this variant (Variation ID: 47572). Based on the evidence outlined above, the variant was classified as likely benign.

Blueprint Genetics
Classification: Likely benign. Last evaluated: 2024-10-08. Review status: criteria provided, single submitter. Criteria: ACMG Guidelines, 2015. Collection method: clinical testing. Allele origin: germline.

Revvity Omics, Revvity
Classification: Uncertain significance. Last evaluated: 2024-06-19. Review status: criteria provided, single submitter. Criteria: ACMG Guidelines, 2015. Collection method: clinical testing. Allele origin: germline.

Cambridge Genomics Laboratory, East Genomic Laboratory Hub, NHS Genomic Medicine Service
Classification: Likely benign for Skeletal dysplasia. Last evaluated: 2020-02-05. Review status: criteria provided, single submitter. Criteria: ACGS Best Practice Guidelines for Variant Classification in Rare Disease 2020. Collection method: clinical testing. Allele origin: germline. Affected: yes. Observed: 1 variant allele.

Ambry Genetics
Classification: Likely benign for Cardiovascular phenotype. Last evaluated: 2019-10-18. Review status: criteria provided, single submitter. Criteria: Ambry Variant Classification Scheme 2023. Collection method: clinical testing. Allele origin: germline.

Illumina Laboratory Services, Illumina
Classification: Uncertain significance for Autosomal recessive limb-girdle muscular dystrophy type 2J. Last evaluated: 2018-01-13. Review status: criteria provided, single submitter. Criteria: ICSL Variant Classification Criteria 13 December 2019. Collection method: clinical testing. Allele origin: germline.

Illumina Laboratory Services, Illumina
Classification: Benign for Myopathy, myofibrillar, 9, with early respiratory failure. Last evaluated: 2018-01-13. Review status: criteria provided, single submitter. Criteria: ICSL Variant Classification Criteria 13 December 2019. Collection method: clinical testing. Allele origin: germline.
Comment: This variant was observed in the ICSL laboratory as part of a predisposition screen in an ostensibly healthy population. It had not been previously curated by ICSL or reported in the Human Gene Mutation Database (HGMD: prior to June 1st, 2018), and was therefore a candidate for classification through an automated scoring system. Utilizing variant allele frequency, disease prevalence and penetrance estimates, and inheritance mode, an automated score was calculated to assess if this variant is too frequent to cause the disease. Based on the score and internal cut-off values, a variant classified as benign is not then subjected to further curation. The score for this variant resulted in a classification of benign for this disease.

Illumina Laboratory Services, Illumina
Classification: Uncertain significance for Dilated cardiomyopathy 1G. Last evaluated: 2018-01-13. Review status: criteria provided, single submitter. Criteria: ICSL Variant Classification Criteria 13 December 2019. Collection method: clinical testing. Allele origin: germline.

Illumina Laboratory Services, Illumina
Classification: Benign for Tibial muscular dystrophy. Last evaluated: 2018-01-13. Review status: criteria provided, single submitter. Criteria: ICSL Variant Classification Criteria 13 December 2019. Collection method: clinical testing. Allele origin: germline.
Comment: the same text as in the submission from Illumina Laboratory Services, Illumina above.

Illumina Laboratory Services, Illumina
Classification: Uncertain significance for Early-onset myopathy with fatal cardiomyopathy. Last evaluated: 2018-01-13. Review status: criteria provided, single submitter. Criteria: ICSL Variant Classification Criteria 13 December 2019. Collection method: clinical testing. Allele origin: germline.

Eurofins Ntd Llc (ga)
Classification: Uncertain significance. Last evaluated: 2017-11-13. Review status: criteria provided, single submitter. Criteria: EGL Classification Definitions 2015. Collection method: clinical testing. Allele origin: germline. Observed: 2 variant alleles, 1 heterozygote.

Labcorp Genetics (formerly Invitae), Labcorp
Classification: Uncertain significance for Dilated cardiomyopathy 1G; Autosomal recessive limb-girdle muscular dystrophy type 2J. Last evaluated: 2017-09-07. Review status: criteria provided, single submitter. Criteria: Invitae Variant Classification Sherloc (09022015). Collection method: clinical testing. Allele origin: germline.

GeneDx
Classification: Benign. Last evaluated: 2015-05-21. Review status: criteria provided, single submitter. Criteria: GeneDx Variant Classification (06012015). Collection method: clinical testing. Allele origin: germline. Affected: yes.
Comment: This variant is considered likely benign or benign based on one or more of the following criteria: it is a conservative change, it occurs at a poorly conserved position in the protein, it is predicted to be benign by multiple in silico algorithms, and/or has population frequency not consistent with disease.

Laboratory for Molecular Medicine, Mass General Brigham Personalized Medicine
Classification: Uncertain significance. Last evaluated: 2015-02-06. Review status: criteria provided, single submitter. Criteria: LMM Criteria. Collection method: clinical testing. Allele origin: germline. Observed: 2 variant alleles.
Comment: This variant is located in the 5' splice r egion and computational tools do not suggest an impact to splicing. However, thi s information is not predictive enough to rule out pathogenicity. In summary, th e clinical significance of the c.89200+4T>C variant is uncertain.

Knight Diagnostic Laboratories, Oregon Health and Sciences University
Classification: Uncertain significance for Dilated cardiomyopathy 1G. Last evaluated: 2016-04-19. Review status: no assertion criteria provided. Criteria: ACMG Guidelines, 2015. Collection method: clinical testing. Allele origin: germline. Affected: no. Study: CSER-NextGen. Not counted in ClinVar's aggregate classification.

Knight Diagnostic Laboratories, Oregon Health and Sciences University
Classification: Uncertain significance for Hypertrophic cardiomyopathy 9. Last evaluated: 2016-04-19. Review status: no assertion criteria provided. Criteria: ACMG Guidelines, 2015. Collection method: clinical testing. Allele origin: germline. Affected: no. Study: CSER-NextGen. Not counted in ClinVar's aggregate classification.

Joint Genome Diagnostic Labs from Nijmegen and Maastricht, Radboudumc and MUMC+
Classification: Likely benign. Review status: no assertion criteria provided. Collection method: clinical testing. Allele origin: germline. Affected: yes. Study: VKGL Data-share Consensus. Not counted in ClinVar's aggregate classification.

Laboratory of Diagnostic Genome Analysis, Leiden University Medical Center (LUMC)
Classification: Likely benign. Review status: no assertion criteria provided. Collection method: clinical testing. Allele origin: germline. Affected: yes. Study: VKGL Data-share Consensus. Not counted in ClinVar's aggregate classification.

Literature cited by the submitters: PubMed 28771489 (cited by Women's Health and Genetics/Laboratory Corporation of America, LabCorp).